The following is an entry in ClinVar:

ClinVar aggregate classification (germline): Uncertain significance (1 of 4 stars; one submission).

Conditions:
Familial hypocalciuric hypercalcemia (FHH). Also called: Familial benign hypercalcemia. Identifiers: Orphanet 405, MedGen C1809471, MONDO:0018458.
Autosomal dominant hypocalcemia 1 (HYPOC1). Also called: HYPOCALCEMIA, FAMILIAL. Identifiers: MedGen C3715128, MONDO:0011013, OMIM 601198.

Submission:

Labcorp Genetics (formerly Invitae), Labcorp
Classification: Uncertain significance for Familial hypocalciuric hypercalcemia; Autosomal dominant hypocalcemia 1. Last evaluated: 2025-11-02. Review status: criteria provided, single submitter. Criteria: Invitae Variant Classification Sherloc (09022015). Collection method: clinical testing. Allele origin: germline.
Comment: This sequence change replaces alanine, which is neutral and non-polar, with proline, which is neutral and non-polar, at codon 154 of the CASR protein (p.Ala154Pro). This variant is not present in population databases (gnomAD no frequency). This variant has not been reported in the literature in individuals affected with CASR-related conditions. ClinVar contains an entry for this variant (Variation ID: 565849). An algorithm developed to predict the effect of missense changes on protein structure and function (PolyPhen-2) suggests that this variant is likely to be disruptive. In summary, the available evidence is currently insufficient to determine the role of this variant in disease. Therefore, it has been classified as a Variant of Uncertain Significance.

NM_000388.4(CASR):c.460G>C (p.Ala154Pro)

Gene: CASR (calcium sensing receptor; plus strand). Cytogenetic location: 3q21.1.
Variant type: single nucleotide variant.
Coding change: c.460G>C on transcript NM_000388.4 (MANE Select); coding-DNA position 460, G replaced by C.
Protein change: p.Ala154Pro; replaces alanine 154 with proline.
Molecular consequence: missense variant.
Genome position (GRCh38, 1-based): chr3:122,257,355, G>C. VCF-style: chr3-122257355-G-C. GRCh37 (hg19) VCF-style: chr3-121976202-G-C.
Other names: c.460G>C, p.Ala154Pro (NM_001178065.2); short protein forms A154P.
Identifiers: ClinVar variation 565849 (VCV000565849.10), dbSNP rs1559956753, ClinGen allele CA354362939.